The following is an entry in ClinVar:

ClinVar aggregate classification (germline): Benign. Review status: criteria provided, multiple submitters, no conflicts (2 of 4 stars). 3 submissions from 3 submitters: Benign (3). Last evaluated 2026-02-04.

Conditions:
Nemaline myopathy 2 (NEM2). Also called: Nemaline myopathy 2, autosomal recessive. Identifiers: MedGen C1850569, MONDO:0009725, OMIM 256030.

Allele frequency attached by ClinVar (database versions not stated): ExAC 0.00374; 1000 Genomes Project 0.00899; gnomAD 0.00904 and 0.00977; TOPMed 0.01089; gnomAD exomes 0.00091 and 0.00236.
gnomAD v4.1: 2,711 of 1,571,118 alleles (0.17%); highest among the groups gnomAD compares: African/African-American, 3.2%; 54 homozygotes.

Submissions (3):

Labcorp Genetics (formerly Invitae), Labcorp
Classification: Benign for Nemaline myopathy 2. Last evaluated: 2026-02-04. Review status: criteria provided, single submitter. Criteria: Invitae Variant Classification Sherloc (09022015). Collection method: clinical testing. Allele origin: germline.

Women's Health and Genetics/Laboratory Corporation of America, LabCorp
Classification: Benign. Last evaluated: 2023-03-20. Review status: criteria provided, single submitter. Criteria: LabCorp Variant Classification Summary - May 2015. Collection method: clinical testing. Allele origin: germline.
Comment: Variant summary: NEB c.8995-14T>C alters a nucleotide located close to a canonical splice site and therefore could affect mRNA splicing, leading to a significantly altered protein sequence. The variant allele was found at a frequency of 0.0024 in 214174 control chromosomes, predominantly at a frequency of 0.033 within the African or African-American subpopulation in the gnomAD database, including 9 homozygotes. The observed variant frequency within African or African-American control individuals in the gnomAD database is approximately 9 fold of the estimated maximal expected allele frequency for a pathogenic variant in NEB causing Nemaline Myopathy 2 phenotype (0.0035), strongly suggesting that the variant is a benign polymorphism found primarily in populations of African or African-American origin. To our knowledge, no occurrence of c.8995-14T>C in individuals affected with Nemaline Myopathy 2 and no experimental evidence demonstrating its impact on protein function have been reported. Two clinical diagnostic laboratories have submitted clinical-significance assessments for this variant to ClinVar after 2014 without evidence for independent evaluation and classified the variant as benign. Based on the evidence outlined above, the variant was classified as benign.

GeneDx
Classification: Benign. Last evaluated: 2016-07-25. Review status: criteria provided, single submitter. Criteria: GeneDx Variant Classification (06012015). Collection method: clinical testing. Allele origin: germline. Affected: yes.
Comment: This variant is considered likely benign or benign based on one or more of the following criteria: it is a conservative change, it occurs at a poorly conserved position in the protein, it is predicted to be benign by multiple in silico algorithms, and/or has population frequency not consistent with disease.

NM_001164508.2(NEB):c.8995-14T>C

Gene: NEB (nebulin; minus strand). Cytogenetic location: 2q23.3.
Variant type: single nucleotide variant.
Coding change: c.8995-14T>C on transcript NM_001164508.2 (MANE Select); 14 bases into the intron before coding-DNA position 8995, T replaced by C.
Molecular consequence: intron variant.
Genome position (GRCh38, 1-based): chr2:151,636,348, A>G on the plus strand (T>C on the coding strand, the complement: NEB is on the minus strand). VCF-style: chr2-151636348-A-G. GRCh37 (hg19) VCF-style: chr2-152492862-A-G.
Other names: c.8853+3545T>C (NM_004543.5); c.8995-14T>C (NM_001164507.2, NM_001271208.2).
Identifiers: ClinVar variation 385220 (VCV000385220.9), dbSNP rs79875240, ClinGen allele CA1909447.
Genomic context (GRCh38, chr2:151,636,348, plus strand): 5'-TCATAGCCTTTCTTCTTTGCTTCTTCATTAGCAAGTTTGTACAGACTCTAAATTTGGGGG[A>G]AAAAAAATCAGATGCTGACATTTATATCTAAAAACTGACAGAGGACTAAGACAATTCACT-3'